The following is an entry in ClinVar:

NM_005612.5(REST):c.1647C>T (p.Ser549=)

Gene: REST (RE1 silencing transcription factor; plus strand). Cytogenetic location: 4q12.
Variant type: single nucleotide variant.
Coding change: c.1647C>T on transcript NM_005612.5 (MANE Select); coding-DNA position 1647, C replaced by T.
Protein change: p.Ser549=; no amino-acid change (serine 549 retained).
Molecular consequence: synonymous variant.
Genome position (GRCh38, 1-based): chr4:56,930,505, C>T. VCF-style: chr4-56930505-C-T. GRCh37 (hg19) VCF-style: chr4-57796671-C-T.
Other names: c.1647C>T, p.Ser549= (NM_001193508.2, NM_001363453.3); c.1563C>T, p.Ser521= (NM_001440532.1, NM_001440533.1).
Identifiers: ClinVar variation 4989702 (VCV004989702.1).

ClinVar aggregate classification (germline): Likely benign (1 of 4 stars; one submission).

Conditions:
REST-related disorder. Also called: REST-related condition.

gnomAD v4.1: 5 of 1,610,760 alleles (0.00031%); highest among the groups gnomAD compares: African/African-American, 0.0067%; no homozygotes.

Submission:

PreventionGenetics, part of Exact Sciences
Classification: Likely benign for REST-related condition. Last evaluated: 2025-03-18. Review status: criteria provided, single submitter. Criteria: ACMG Guidelines, 2015. Collection method: clinical testing. Allele origin: germline.
Comment: This variant is classified as likely benign based on ACMG/AMP sequence variant interpretation guidelines (Richards et al. 2015 PMID: 25741868, with internal and published modifications).